The following is an entry in ClinVar:

NM_000035.4(ALDOB):c.*122G>A

Gene: ALDOB (aldolase, fructose-bisphosphate B; minus strand). Cytogenetic location: 9q31.1.
Variant type: single nucleotide variant.
Coding change: c.*122G>A on transcript NM_000035.4 (MANE Select); 122 bases downstream of the stop codon, G replaced by A.
Molecular consequence: 3 prime UTR variant.
Genome position (GRCh38, 1-based): chr9:101,421,687, C>T on the plus strand (G>A on the coding strand, the complement: ALDOB is on the minus strand). VCF-style: chr9-101421687-C-T. GRCh37 (hg19) VCF-style: chr9-104183969-C-T.
Other names: c.*122G>A (LRG_1244t1).
Identifiers: ClinVar variation 364305 (VCV000364305.7), dbSNP rs41310087, ClinGen allele CA10628632.

ClinVar aggregate classification (germline): Benign. Review status: criteria provided, multiple submitters, no conflicts (2 of 4 stars). 3 submissions from 3 submitters: Benign (3). Last evaluated 2018-06-18.

Conditions:
Hereditary fructosuria. Also called: Fructose intolerance; ALDOB DEFICIENCY; ALDOLASE B DEFICIENCY; FRUCTOSE-1,6-BISPHOSPHATE ALDOLASE B DEFICIENCY; FRUCTOSE-1-PHOSPHATE ALDOLASE DEFICIENCY; FRUCTOSEMIA. Identifiers: Orphanet 469, MedGen C0016751, MONDO:0009249, OMIM 229600, HP:0005973. Disease mechanism: loss of function.

Allele frequency attached by ClinVar (database versions not stated): 1000 Genomes Project 0.03974; 1000 Genomes Project 30x 0.04169; TOPMed 0.05326; gnomAD 0.05383 and 0.05387; gnomAD exomes 0.06932.
gnomAD v4.1: 52,405 of 789,742 alleles (6.6%); highest among the groups gnomAD compares: Middle Eastern, 14%; 2,056 homozygotes.

Submissions (3):

GeneDx
Classification: Benign. Last evaluated: 2018-06-18. Review status: criteria provided, single submitter. Criteria: GeneDx Variant Classification Process June 2021. Collection method: clinical testing. Allele origin: germline. Affected: yes.

Illumina Laboratory Services, Illumina
Classification: Benign for Hereditary fructosuria. Last evaluated: 2018-01-12. Review status: criteria provided, single submitter. Criteria: ICSL Variant Classification Criteria 13 December 2019. Collection method: clinical testing. Allele origin: germline.
Comment: This variant was observed in the ICSL laboratory as part of a predisposition screen in an ostensibly healthy population. It had not been previously curated by ICSL or reported in the Human Gene Mutation Database (HGMD: prior to June 1st, 2018), and was therefore a candidate for classification through an automated scoring system. Utilizing variant allele frequency, disease prevalence and penetrance estimates, and inheritance mode, an automated score was calculated to assess if this variant is too frequent to cause the disease. Based on the score and internal cut-off values, a variant classified as benign is not then subjected to further curation. The score for this variant resulted in a classification of benign for this disease.

Breakthrough Genomics
Classification: Benign. Review status: criteria provided, single submitter. Criteria: ACMG Guidelines, 2015. Collection method: not provided. Allele origin: germline. Inheritance: Autosomal recessive inheritance. Affected: yes.